The following is an entry in ClinVar:

NM_025137.4(SPG11):c.612T>C (p.Ile204=)

Gene: SPG11 (SPG11 vesicle trafficking associated, spatacsin; minus strand). Cytogenetic location: 15q21.1.
Variant type: single nucleotide variant.
Coding change: c.612T>C on transcript NM_025137.4 (MANE Select); coding-DNA position 612, T replaced by C.
Protein change: p.Ile204=; no amino-acid change (isoleucine 204 retained).
Molecular consequence: synonymous variant.
Genome position (GRCh38, 1-based): chr15:44,659,134, A>G on the plus strand (T>C on the coding strand, the complement: SPG11 is on the minus strand). VCF-style: chr15-44659134-A-G. GRCh37 (hg19) VCF-style: chr15-44951332-A-G.
Other names: c.612T>C, p.Ile204= (NM_001160227.2).
Identifiers: ClinVar variation 742358 (VCV000742358.32), dbSNP rs906644527, ClinGen allele CA270109443.
Genomic context (GRCh38, chr15:44,659,134, plus strand): 5'-GATACAGATCCAGCCTAAACTACTCAAAACAAAAAGAATTCCTCTGCAGAGCTGCGTGTC[A>G]ATAATCATGTCCACTGCCTGTGCAGGCAAGGGAAGTGTGAAACAGTTGAGTACTCTAATT-3'
Protein context (NP_079413.3, residues 194-214): PLPAQAVDMI[Ile204=]DTQLCRGILF

ClinVar aggregate classification (germline): Likely benign. Review status: criteria provided, multiple submitters, no conflicts (2 of 4 stars). 2 submissions from 2 submitters: Likely benign (2). Last evaluated 2025-02-19.

Conditions:
Hereditary spastic paraplegia 11. Also called: Spastic Paraplegia 11; Nakamura Osame syndrome; Autosomal recessive hereditary spastic paraplegia, mental impairment, and thin corpus callosum; SPASTIC PARAPLEGIA, AUTOSOMAL RECESSIVE, COMPLICATED, WITH THIN CORPUS CALLOSUM; SPASTIC PARAPLEGIA, AUTOSOMAL RECESSIVE, WITH MENTAL IMPAIRMENT AND THIN CORPUS CALLOSUM; Spastic paraplegia, mental retardation and thin corpus callosum. Identifiers: Orphanet 2822, MedGen C1858479, MONDO:0011445, OMIM 604360.

Allele frequency attached by ClinVar (database versions not stated): TOPMed below 0.00001; gnomAD 0.00001; gnomAD exomes 0.00001.
gnomAD v4.1: 5 of 1,614,120 alleles (0.00031%); highest among the groups gnomAD compares: Admixed American, 0.0017%; no homozygotes.

Submissions (2):

Labcorp Genetics (formerly Invitae), Labcorp
Classification: Likely benign for Hereditary spastic paraplegia 11. Last evaluated: 2025-02-19. Review status: criteria provided, single submitter. Criteria: Invitae Variant Classification Sherloc (09022015). Collection method: clinical testing. Allele origin: germline.

CeGaT Center for Human Genetics Tuebingen
Classification: Likely benign. Last evaluated: 2023-03-01. Review status: criteria provided, single submitter. Criteria: CeGaT Center For Human Genetics Tuebingen Variant Classification Criteria Version 2. Collection method: clinical testing. Allele origin: germline. Affected: yes. Observed: 1 variant allele.
Comment: SPG11: BP4, BP7